The following is an entry in ClinVar:

ClinVar aggregate classification (germline): Uncertain significance (1 of 4 stars; one submission).

Submission:

Labcorp Genetics (formerly Invitae), Labcorp
Classification: Uncertain significance. Last evaluated: 2024-12-14. Review status: criteria provided, single submitter. Criteria: Invitae Variant Classification Sherloc (09022015). Collection method: clinical testing. Allele origin: germline.
Comment: This sequence change replaces alanine, which is neutral and non-polar, with proline, which is neutral and non-polar, at codon 2837 of the DCHS1 protein (p.Ala2837Pro). This variant is not present in population databases (gnomAD no frequency). This variant has not been reported in the literature in individuals affected with DCHS1-related conditions. Invitae Evidence Modeling of protein sequence and biophysical properties (such as structural, functional, and spatial information, amino acid conservation, physicochemical variation, residue mobility, and thermodynamic stability) has been performed for this missense variant. However, the output from this modeling did not meet the statistical confidence thresholds required to predict the impact of this variant on DCHS1 protein function. In summary, the available evidence is currently insufficient to determine the role of this variant in disease. Therefore, it has been classified as a Variant of Uncertain Significance.

NM_003737.4(DCHS1):c.8509G>C (p.Ala2837Pro)

Gene: DCHS1 (dachsous cadherin-related 1; minus strand). Cytogenetic location: 11p15.4.
Variant type: single nucleotide variant.
Coding change: c.8509G>C on transcript NM_003737.4 (MANE Select); coding-DNA position 8509, G replaced by C.
Protein change: p.Ala2837Pro; replaces alanine 2837 with proline.
Molecular consequence: missense variant.
Genome position (GRCh38, 1-based): chr11:6,623,167, C>G on the plus strand (G>C on the coding strand, the complement: DCHS1 is on the minus strand). VCF-style: chr11-6623167-C-G. GRCh37 (hg19) VCF-style: chr11-6644398-C-G.
Other names: short protein forms A2837P.
Identifiers: ClinVar variation 3666066 (VCV003666066.2).